The following is an entry in ClinVar:

NM_001127649.3(PEX26):c.98C>G (p.Pro33Arg)

Gene: PEX26 (peroxisomal biogenesis factor 26; plus strand). Cytogenetic location: 22q11.21.
Variant type: single nucleotide variant.
Coding change: c.98C>G on transcript NM_001127649.3 (MANE Select); coding-DNA position 98, C replaced by G.
Protein change: p.Pro33Arg; replaces proline 33 with arginine.
Molecular consequence: missense variant.
Genome position (GRCh38, 1-based): chr22:18,078,474, C>G. VCF-style: chr22-18078474-C-G. GRCh37 (hg19) VCF-style: chr22-18561240-C-G.
Other names: c.98C>G, p.Pro33Arg (NM_001199319.2, NM_017929.6); short protein forms P33R.
Identifiers: ClinVar variation 1372403 (VCV001372403.8), dbSNP rs368118099, ClinGen allele CA10093222.

ClinVar aggregate classification (germline): Uncertain significance (1 of 4 stars; one submission).

Conditions:
Peroxisome biogenesis disorder 7A (Zellweger). Also called: Peroxisome biogenesis disorder 7A. Identifiers: Orphanet 912, MedGen C3888385, MONDO:0013938, OMIM 614872.
Peroxisome biogenesis disorder 7B (PBD7B). Identifiers: Orphanet 44, MedGen C3553951, MONDO:0013939, OMIM 614873.

Submission:

Labcorp Genetics (formerly Invitae), Labcorp
Classification: Uncertain significance for Peroxisome biogenesis disorder 7A (Zellweger); Peroxisome biogenesis disorder 7B. Last evaluated: 2023-10-13. Review status: criteria provided, single submitter. Criteria: Invitae Variant Classification Sherloc (09022015). Collection method: clinical testing. Allele origin: germline.
Comment: This sequence change replaces proline, which is neutral and non-polar, with arginine, which is basic and polar, at codon 33 of the PEX26 protein (p.Pro33Arg). This variant is not present in population databases (gnomAD no frequency). This variant has not been reported in the literature in individuals affected with PEX26-related conditions. ClinVar contains an entry for this variant (Variation ID: 1372403). Advanced modeling of protein sequence and biophysical properties (such as structural, functional, and spatial information, amino acid conservation, physicochemical variation, residue mobility, and thermodynamic stability) performed at Invitae indicates that this missense variant is not expected to disrupt PEX26 protein function. In summary, the available evidence is currently insufficient to determine the role of this variant in disease. Therefore, it has been classified as a Variant of Uncertain Significance.